The following is an entry in ClinVar:

NM_203447.4(DOCK8):c.2801G>A (p.Arg934Gln)

Gene: DOCK8 (dedicator of cytokinesis 8; plus strand). Cytogenetic location: 9p24.3.
Variant type: single nucleotide variant.
Coding change: c.2801G>A on transcript NM_203447.4 (MANE Select); coding-DNA position 2801, G replaced by A.
Protein change: p.Arg934Gln; replaces arginine 934 with glutamine.
Molecular consequence: missense variant. On other transcripts: intron variant (1).
Genome position (GRCh38, 1-based): chr9:386,353, G>A. VCF-style: chr9-386353-G-A. GRCh37 (hg19) VCF-style: chr9-386353-G-A.
Other names: c.2597G>A, p.Arg866Gln (NM_001193536.2); c.2574+3668G>A (NM_001190458.2); short protein forms R866Q, R934Q.
Identifiers: ClinVar variation 4692411 (VCV004692411.1).
Genomic context (GRCh38, chr9:386,353, plus strand): 5'-GGTTGGTTGACTGTTAAGCCATGGTTTGTGTATTTTAGATCGCCGATCGCAACTGCAGCC[G>A]AATGTCTTACTATTGCTCTGGCAGTAGTGATGCTCCAAGTTCACCTGCAGCCCCAAGGCC-3'
Protein context (NP_982272.2, residues 924-944): SSKIADRNCS[Arg934Gln]MSYYCSGSSD

ClinVar aggregate classification (germline): Uncertain significance (1 of 4 stars; one submission).

Conditions:
Combined immunodeficiency due to DOCK8 deficiency (HIES2). Also called: HYPER-IgE SYNDROME 2, AUTOSOMAL RECESSIVE, WITH RECURRENT INFECTIONS; HYPER-IgE RECURRENT INFECTION SYNDROME 2, AUTOSOMAL RECESSIVE; HIES autosomal recessive; Hyper-IgE recurrent infection syndrome, autosomal recessive; DOCK8 Deficiency. Identifiers: Orphanet 217390, MedGen C4722305, MONDO:0009478, OMIM 243700.

gnomAD v4.1: 13 of 1,613,670 alleles (0.00081%); highest among the groups gnomAD compares: Admixed American, 0.0033%; no homozygotes.

Submission:

Labcorp Genetics (formerly Invitae), Labcorp
Classification: Uncertain significance for Combined immunodeficiency due to DOCK8 deficiency. Last evaluated: 2025-06-06. Review status: criteria provided, single submitter. Criteria: Invitae Variant Classification Sherloc (09022015). Collection method: clinical testing. Allele origin: germline.
Comment: This sequence change replaces arginine, which is basic and polar, with glutamine, which is neutral and polar, at codon 934 of the DOCK8 protein (p.Arg934Gln). This variant is present in population databases (rs755168605, gnomAD 0.004%). This variant has not been reported in the literature in individuals affected with DOCK8-related conditions. An algorithm developed to predict the effect of missense changes on protein structure and function (PolyPhen-2) suggests that this variant is likely to be disruptive. In summary, the available evidence is currently insufficient to determine the role of this variant in disease. Therefore, it has been classified as a Variant of Uncertain Significance.